The following is an entry in ClinVar:

NM_000987.5(RPL26):c.168+6T>G

Gene: RPL26 (ribosomal protein L26; minus strand). Cytogenetic location: 17p13.1.
Variant type: single nucleotide variant.
Coding change: c.168+6T>G on transcript NM_000987.5 (MANE Select); 6 bases into the intron after coding-DNA position 168, T replaced by G.
Molecular consequence: intron variant.
Genome position (GRCh38, 1-based): chr17:8,382,137, A>C on the plus strand (T>G on the coding strand, the complement: RPL26 is on the minus strand). VCF-style: chr17-8382137-A-C. GRCh37 (hg19) VCF-style: chr17-8285455-A-C.
Other names: c.168+6T>G (NM_001315531.2, NM_001315530.2).
Identifiers: ClinVar variation 2500079 (VCV002500079.1), dbSNP rs774153510, ClinGen allele CA2580094959.
Genomic context (GRCh38, chr17:8,382,137, plus strand): 5'-ATCTCTCTTCTAAGCTAAGTGCGTAAAATATCCATCAAGACAACGAGAACAAGTAGGGAT[A>C]CACACCTGAACTTCATCATCCTTTCGGATGGGCATGGATCGCACGTTGTACTTCTGTCTC-3'

ClinVar aggregate classification (germline): Uncertain significance (1 of 4 stars; one submission).

Conditions:
Diamond-Blackfan anemia 11 (DBA11). Also called: RPL26-Related Diamond-Blackfan Anemia. Identifiers: Orphanet 124, MedGen C3554042, MONDO:0013964, OMIM 614900.

Submission:

Center for Genomics, Ann and Robert H. Lurie Children's Hospital of Chicago
Classification: Uncertain significance for Diamond-Blackfan anemia 11. Last evaluated: 2021-03-30. Review status: criteria provided, single submitter. Criteria: ACMG Guidelines, 2015. Collection method: clinical testing. Allele origin: germline.
Comment: RPL26 (c.168+6T>G): Heterozygous mutation in the RPL26 gene has been associated with Diamond-Blackfan anemia-11 in one family. This heterozygous variant has not been reported in the literature and is not present in large control databases. Evolutionary conservation and computational predictive tools for this variant are limited or unavailable. This variant is an intronic variant with no predicted change in the amino acid sequence but may have an unknown effect on splicing. Further studies are needed to understand its impact. In summary, data on this variant is insufficient for disease classification. Therefore, the clinical significance of this variant is uncertain.